The following is an entry in ClinVar:

NM_005188.4(CBL):c.1817G>C (p.Ser606Thr)

Gene: CBL (Cbl proto-oncogene; plus strand). Cytogenetic location: 11q23.3.
Variant type: single nucleotide variant.
Coding change: c.1817G>C on transcript NM_005188.4 (MANE Select); coding-DNA position 1817, G replaced by C.
Protein change: p.Ser606Thr; replaces serine 606 with threonine.
Molecular consequence: missense variant.
Genome position (GRCh38, 1-based): chr11:119,285,442, G>C. VCF-style: chr11-119285442-G-C. GRCh37 (hg19) VCF-style: chr11-119156152-G-C.
Other names: short protein forms S606T.
Identifiers: ClinVar variation 3827838 (VCV003827838.1).
Genomic context (GRCh38, chr11:119,285,442, plus strand): 5'-TTGGAGACTCATGGCTGCCCCGGCCAATCCCCAAAGTACCAGTATCTGCCCCAAGTTCCA[G>C]TGATCCCTGGACAGGAAGAGAATTAACCAACCGGCACTCACTTCCATTTTCATTGCCCTC-3'
Protein context (NP_005179.2, residues 596-616): PKVPVSAPSS[Ser606Thr]DPWTGRELTN

ClinVar aggregate classification (germline): Uncertain significance (1 of 4 stars; one submission).

Conditions:
Cardiovascular phenotype. Identifiers: MedGen CN230736.

Submission:

Ambry Genetics
Classification: Uncertain significance for Cardiovascular phenotype. Last evaluated: 2025-02-08. Review status: criteria provided, single submitter. Criteria: Ambry Variant Classification Scheme 2023. Collection method: clinical testing. Allele origin: germline.
Comment: The p.S606T variant (also known as c.1817G>C), located in coding exon 11 of the CBL gene, results from a G to C substitution at nucleotide position 1817. The serine at codon 606 is replaced by threonine, an amino acid with similar properties. This amino acid position is conserved. In addition, this alteration is predicted to be tolerated by in silico analysis. Based on the available evidence, the clinical significance of this variant remains unclear.